The following is an entry in ClinVar:

NM_001048174.2(MUTYH):c.1451A>C (p.Gln484Pro)

Gene: MUTYH (mutY DNA glycosylase; minus strand). Cytogenetic location: 1p34.1.
Variant type: single nucleotide variant.
Coding change: c.1451A>C on transcript NM_001048174.2 (MANE Select); coding-DNA position 1451, A replaced by C.
Protein change: p.Gln484Pro; replaces glutamine 484 with proline.
Molecular consequence: missense variant. On other transcripts: non-coding transcript variant (2).
Genome position (GRCh38, 1-based): chr1:45,329,421, T>G on the plus strand (A>C on the coding strand, the complement: MUTYH is on the minus strand). VCF-style: chr1-45329421-T-G. GRCh37 (hg19) VCF-style: chr1-45795093-T-G.
Other names: c.1451A>C, p.Gln484Pro (NM_001048171.2, NM_001048173.2, NM_001293195.2); c.1454A>C, p.Gln485Pro (NM_001048172.2); c.1535A>C, p.Gln512Pro (NM_001128425.2); c.1496A>C, p.Gln499Pro (NM_001293190.2); c.1484A>C, p.Gln495Pro (NM_001293191.2); c.1175A>C, p.Gln392Pro (NM_001293192.2, NM_001293196.2); c.1106A>C, p.Gln369Pro (NM_001350650.2, NM_001350651.2); c.1526A>C, p.Gln509Pro (NM_012222.3); short protein forms Q512P, Q509P, Q499P, Q392P, Q484P, Q485P, Q369P, Q495P.
Identifiers: ClinVar variation 464700 (VCV000464700.9), dbSNP rs1553123054, ClinGen allele CA340131909.
Genomic context (GRCh38, chr1:45,329,421, plus strand): 5'-AAATTATCCAGGACTTGCTGGCCCATGCGGGGCTTTTTCCGACTGCACGGAGAGGACACC[T>G]GGGACCTTTTGGAACCCTGTGAAAAAATGGAAGGAGGGAGGCCTTGTAGTTGGGGGAGGG-3'
Protein context (NP_001041639.1, residues 474-494): PGTCMGSKRS[Gln484Pro]VSSPCSRKKP

ClinVar aggregate classification (germline): Uncertain significance. Review status: criteria provided, multiple submitters, no conflicts (2 of 4 stars). 2 submissions from 2 submitters: Uncertain significance (2). Last evaluated 2025-08-27.

Conditions:
Familial adenomatous polyposis 2. Also called: COLORECTAL ADENOMATOUS POLYPOSIS, AUTOSOMAL RECESSIVE; ADENOMAS, MULTIPLE COLORECTAL, AUTOSOMAL RECESSIVE; MUTYH-associated polyposis; FAP type 2; MUTYH-related attenuated familial adenomatous polyposis; Adenomas, multiple colorectal. Identifiers: Orphanet 220460, Orphanet 247798, MedGen C3272841, MONDO:0012041, OMIM 608456.
Hereditary cancer-predisposing syndrome. Also called: Neoplastic Syndromes, Hereditary; Tumor predisposition; Hereditary neoplastic syndrome; Hereditary Cancer Syndrome. Identifiers: Orphanet 140162, MedGen C0027672, MeSH D009386, MONDO:0015356.

Submissions (2):

Ambry Genetics
Classification: Uncertain significance for Hereditary cancer-predisposing syndrome. Last evaluated: 2025-08-27. Review status: criteria provided, single submitter. Criteria: Ambry Variant Classification Scheme 2023. Collection method: clinical testing. Allele origin: germline.
Comment: The p.Q512P variant (also known as c.1535A>C), located in coding exon 16 of the MUTYH gene, results from an A to C substitution at nucleotide position 1535. The glutamine at codon 512 is replaced by proline, an amino acid with similar properties. This amino acid position is conserved. In addition, this alteration is predicted to be tolerated by in silico analysis. Based on the available evidence, the clinical significance of this variant remains unclear.

Labcorp Genetics (formerly Invitae), Labcorp
Classification: Uncertain significance for Familial adenomatous polyposis 2. Last evaluated: 2017-02-26. Review status: criteria provided, single submitter. Criteria: Invitae Variant Classification Sherloc (09022015). Collection method: clinical testing. Allele origin: germline.
Comment: Algorithms developed to predict the effect of missense changes on protein structure and function output the following: (SIFT: "Tolerated"; PolyPhen-2: "Benign"; Align-GVGD: "Class C0"). The proline amino acid residue is found in multiple mammalian species, suggesting that this missense change does not adversely affect protein function. These predictions have not been confirmed by published functional studies. In summary, this variant is a novel missense change that is not predicted to affect protein function. There is no indication that it causes disease, but the available evidence is currently insufficient to prove that conclusively. Therefore, it has been classified as a Variant of Uncertain Significance. This variant is not present in population databases (ExAC no frequency) and has not been reported in the literature in individuals with a MUTYH-related disease. This sequence change replaces glutamine with proline at codon 512 of the MUTYH protein (p.Gln512Pro). The glutamine residue is moderately conserved and there is a moderate physicochemical difference between glutamine and proline.